The following is an entry in ClinVar:

NM_152703.5(SAMD9L):c.3982T>G (p.Cys1328Gly)

Gene: SAMD9L (sterile alpha motif domain containing 9 like; minus strand). Cytogenetic location: 7q21.2.
Variant type: single nucleotide variant.
Coding change: c.3982T>G on transcript NM_152703.5 (MANE Select); coding-DNA position 3982, T replaced by G.
Protein change: p.Cys1328Gly; replaces cysteine 1328 with glycine.
Molecular consequence: missense variant.
Genome position (GRCh38, 1-based): chr7:93,131,990, A>C on the plus strand (T>G on the coding strand, the complement: SAMD9L is on the minus strand). VCF-style: chr7-93131990-A-C. GRCh37 (hg19) VCF-style: chr7-92761303-A-C.
Other names: c.3982T>G, p.Cys1328Gly (NM_001303496.3, NM_001303497.3, NM_001303498.3 and 5 more transcripts); short protein forms C1328G.
Identifiers: ClinVar variation 3792519 (VCV003792519.2).
Genomic context (GRCh38, chr7:93,131,990, plus strand): 5'-TAAGATATTCCAAGAGTCCAGCAAACCTATCTGCTCTCAGAGCTTCTAGCTTTTTCCTGC[A>C]ATTCTCCTCCTGGAGTAATTGACTCTCTTTACTTTGTAATAGACATGGATCCAAATGACA-3'
Protein context (NP_689916.2, residues 1318-1338): KESQLLQEEN[Cys1328Gly]RKKLEALRAD

ClinVar aggregate classification (germline): Uncertain significance (1 of 4 stars; one submission).

Conditions:
Inborn genetic diseases. Identifiers: MedGen C0950123, MeSH D030342.

Submission:

Ambry Genetics
Classification: Uncertain significance for Inborn genetic diseases. Last evaluated: 2025-12-03. Review status: criteria provided, single submitter. Criteria: Ambry Variant Classification Scheme 2023. Collection method: clinical testing. Allele origin: germline.
Comment: The p.C1328G variant (also known as c.3982T>G), located in coding exon 1 of the SAMD9L gene, results from a T to G substitution at nucleotide position 3982. The cysteine at codon 1328 is replaced by glycine, an amino acid with highly dissimilar properties. This amino acid position is conserved. In addition, this alteration is predicted to be tolerated by in silico analysis. Based on the available evidence, the clinical significance of this variant remains unclear.